The following is an entry in ClinVar:

ClinVar aggregate classification (germline): Uncertain significance (1 of 4 stars; one submission).

Allele frequency attached by ClinVar (database versions not stated): TOPMed 0.00002; ExAC 0.00012.
gnomAD v4.1: 87 of 1,608,954 alleles (0.0054%); highest among the groups gnomAD compares: South Asian, 0.0077%; no homozygotes.

Submission:

Labcorp Genetics (formerly Invitae), Labcorp
Classification: Uncertain significance. Last evaluated: 2023-10-04. Review status: criteria provided, single submitter. Criteria: Invitae Variant Classification Sherloc (09022015). Collection method: clinical testing. Allele origin: germline.
Comment: This sequence change replaces isoleucine, which is neutral and non-polar, with threonine, which is neutral and polar, at codon 354 of the IL23R protein (p.Ile354Thr). This variant is present in population databases (rs754093485, gnomAD 0.01%). This variant has not been reported in the literature in individuals affected with IL23R-related conditions. Algorithms developed to predict the effect of missense changes on protein structure and function output the following: SIFT: "Not Available"; PolyPhen-2: "Possibly Damaging"; Align-GVGD: "Not Available". The threonine amino acid residue is found in multiple mammalian species, which suggests that this missense change does not adversely affect protein function. In summary, the available evidence is currently insufficient to determine the role of this variant in disease. Therefore, it has been classified as a Variant of Uncertain Significance.

NM_144701.3(IL23R):c.1061T>C (p.Ile354Thr)

Gene: IL23R (interleukin 23 receptor; plus strand). Cytogenetic location: 1p31.3.
Variant type: single nucleotide variant.
Coding change: c.1061T>C on transcript NM_144701.3 (MANE Select); coding-DNA position 1061, T replaced by C.
Protein change: p.Ile354Thr; replaces isoleucine 354 with threonine.
Molecular consequence: missense variant.
Genome position (GRCh38, 1-based): chr1:67,240,194, T>C. VCF-style: chr1-67240194-T-C. GRCh37 (hg19) VCF-style: chr1-67705877-T-C.
Other names: short protein forms I354T.
Identifiers: ClinVar variation 2902889 (VCV002902889.3), dbSNP rs754093485, ClinGen allele CA899931.